The following is an entry in ClinVar:

NM_000179.3(MSH6):c.1582del (p.Glu528fs)

Gene: MSH6 (mutS homolog 6; plus strand). Cytogenetic location: 2p16.3.
Variant type: Deletion.
Coding change: c.1582del on transcript NM_000179.3 (MANE Select); coding-DNA position 1582, one base deleted (G; older notation c.1582delG).
Protein change: p.Glu528fs; shifts the reading frame from glutamic acid 528.
Molecular consequence: frameshift variant.
Genome position (GRCh38, 1-based): chr2:47,799,565, G deleted; the last of 2 consecutive G bases (chr2:47,799,564-47,799,565); deleting either gives the same sequence. VCF-style (leftmost placement, unchanged base first): chr2-47799563-TG-T. GRCh37 (hg19) VCF-style: chr2-48026702-TG-T.
Other names: c.1192del, p.Glu398fs (NM_001281492.2); c.676del, p.Glu226fs (NM_001281493.2, NM_001281494.2); c.1678delG, p.Glu560Lysfs (NM_001406795.1, NM_001406802.1); c.1582delG, p.Glu528Lysfs (NM_001406796.1, NM_001406798.1, NM_001406800.1 and 4 more transcripts); c.1285delG, p.Glu429Lysfs (NM_001406797.1, NM_001406801.1, NM_001406805.1 and 10 more transcripts); c.1057delG, p.Glu353Lysfs (NM_001406799.1, NM_001406806.1, NM_001406807.1); c.1504delG, p.Glu502Lysfs (NM_001406804.1); c.676delG, p.Glu226Lysfs (NM_001406811.1, NM_001406812.1, NM_001406814.1 and 4 more transcripts); and 2 more; short protein forms E528fs, E226fs, E398fs.
Identifiers: ClinVar variation 1775738 (VCV001775738.2), dbSNP rs2530617660, ClinGen allele CA2580067645.

ClinVar aggregate classification (germline): Pathogenic (1 of 4 stars; one submission).

Conditions:
Hereditary cancer-predisposing syndrome. Also called: Neoplastic Syndromes, Hereditary; Tumor predisposition; Hereditary Cancer Syndrome; Hereditary neoplastic syndrome. Identifiers: Orphanet 140162, MedGen C0027672, MeSH D009386, MONDO:0015356.

Submission:

Ambry Genetics
Classification: Pathogenic for Hereditary cancer-predisposing syndrome. Last evaluated: 2018-10-31. Review status: criteria provided, single submitter. Criteria: Ambry Variant Classification Scheme 2023. Collection method: clinical testing. Allele origin: germline.
Comment: The c.1582delG pathogenic mutation, located in coding exon 4 of the MSH6 gene, results from a deletion of one nucleotide at nucleotide position 1582, causing a translational frameshift with a predicted alternate stop codon (p.E528Kfs*43). This alteration is expected to result in loss of function by premature protein truncation or nonsense-mediated mRNA decay. As such, this alteration is interpreted as a disease-causing mutation.